The following is an entry in ClinVar:

ClinVar aggregate classification (germline): Uncertain significance (1 of 4 stars; one submission).

Conditions:
Frontotemporal dementia and/or amyotrophic lateral sclerosis 4. Also called: FTDALS4. Identifiers: Orphanet 275872, MedGen C4225325, MONDO:0014641, OMIM 616439.

Submission:

Labcorp Genetics (formerly Invitae), Labcorp
Classification: Uncertain significance for Frontotemporal dementia and/or amyotrophic lateral sclerosis 4. Last evaluated: 2023-12-01. Review status: criteria provided, single submitter. Criteria: Invitae Variant Classification Sherloc (09022015). Collection method: clinical testing. Allele origin: germline.
Comment: This sequence change replaces alanine, which is neutral and non-polar, with valine, which is neutral and non-polar, at codon 188 of the TBK1 protein (p.Ala188Val). This variant is not present in population databases (gnomAD no frequency). This variant has not been reported in the literature in individuals affected with TBK1-related conditions. Advanced modeling of protein sequence and biophysical properties (such as structural, functional, and spatial information, amino acid conservation, physicochemical variation, residue mobility, and thermodynamic stability) performed at Invitae indicates that this missense variant is not expected to disrupt TBK1 protein function with a negative predictive value of 95%. In summary, the available evidence is currently insufficient to determine the role of this variant in disease. Therefore, it has been classified as a Variant of Uncertain Significance.

NM_013254.4(TBK1):c.563C>T (p.Ala188Val)

Gene: TBK1 (TANK binding kinase 1; plus strand). Cytogenetic location: 12q14.2.
Variant type: single nucleotide variant.
Coding change: c.563C>T on transcript NM_013254.4 (MANE Select); coding-DNA position 563, C replaced by T.
Protein change: p.Ala188Val; replaces alanine 188 with valine.
Molecular consequence: missense variant.
Genome position (GRCh38, 1-based): chr12:64,474,252, C>T. VCF-style: chr12-64474252-C-T. GRCh37 (hg19) VCF-style: chr12-64868032-C-T.
Other names: short protein forms A188V.
Identifiers: ClinVar variation 2998982 (VCV002998982.3), dbSNP rs2539503261, ClinGen allele CA385597317.